The following is an entry in ClinVar:

NM_001182.5(ALDH7A1):c.359C>A (p.Ala120Asp)

Gene: ALDH7A1 (aldehyde dehydrogenase 7 family member A1; minus strand). Cytogenetic location: 5q23.2.
Variant type: single nucleotide variant.
Coding change: c.359C>A on transcript NM_001182.5 (MANE Select); coding-DNA position 359, C replaced by A.
Protein change: p.Ala120Asp; replaces alanine 120 with aspartic acid.
Molecular consequence: missense variant.
Genome position (GRCh38, 1-based): chr5:126,583,966, G>T on the plus strand (C>A on the coding strand, the complement: ALDH7A1 is on the minus strand). VCF-style: chr5-126583966-G-T. GRCh37 (hg19) VCF-style: chr5-125919658-G-T.
Other names: c.275C>A, p.Ala92Asp (NM_001201377.2); c.359C>A, p.Ala120Asp (NM_001202404.2); short protein forms A92D, A120D.
Identifiers: ClinVar variation 655901 (VCV000655901.8), dbSNP rs549279821, ClinGen allele CA3389789.

ClinVar aggregate classification (germline): Uncertain significance. Review status: criteria provided, multiple submitters, no conflicts (2 of 4 stars). 3 submissions from 3 submitters: Uncertain significance (3). Last evaluated 2023-04-11.

Conditions:
Pyridoxine-dependent epilepsy (EPEO4). Also called: Pyridoxine-Dependent Epilepsy - ALDH7A1; EPILEPSY, EARLY-ONSET, 4, VITAMIN B6-DEPENDENT; PYRIDOXINE DEPENDENCY WITH SEIZURES; Pyridoxine-Dependent Seizures. Identifiers: Orphanet 3006, MedGen C1849508, MONDO:0009945, OMIM 266100. Disease mechanism: loss of function.
Inborn genetic diseases. Identifiers: MedGen C0950123, MeSH D030342.

gnomAD v4.1: 21 of 1,614,128 alleles (0.0013%); highest among the groups gnomAD compares: Admixed American, 0.013%; no homozygotes.

Submissions (3):

Genome-Nilou Lab
Classification: Uncertain significance for Pyridoxine-dependent epilepsy. Last evaluated: 2023-04-11. Review status: criteria provided, single submitter. Criteria: ACMG Guidelines, 2015. Collection method: clinical testing. Allele origin: germline. Affected: no.

Labcorp Genetics (formerly Invitae), Labcorp
Classification: Uncertain significance for Pyridoxine-dependent epilepsy. Last evaluated: 2022-08-12. Review status: criteria provided, single submitter. Criteria: Invitae Variant Classification Sherloc (09022015). Collection method: clinical testing. Allele origin: germline.
Comment: This sequence change replaces alanine, which is neutral and non-polar, with aspartic acid, which is acidic and polar, at codon 120 of the ALDH7A1 protein (p.Ala120Asp). This variant is present in population databases (rs549279821, gnomAD 0.03%). This variant has not been reported in the literature in individuals affected with ALDH7A1-related conditions. ClinVar contains an entry for this variant (Variation ID: 655901). Advanced modeling of protein sequence and biophysical properties (such as structural, functional, and spatial information, amino acid conservation, physicochemical variation, residue mobility, and thermodynamic stability) performed at Invitae indicates that this missense variant is expected to disrupt ALDH7A1 protein function. In summary, the available evidence is currently insufficient to determine the role of this variant in disease. Therefore, it has been classified as a Variant of Uncertain Significance.

Ambry Genetics
Classification: Uncertain significance for Inborn genetic diseases. Last evaluated: 2020-01-16. Review status: criteria provided, single submitter. Criteria: Ambry Variant Classification Scheme 2023. Collection method: clinical testing. Allele origin: germline.
Comment: The p.A120D variant (also known as c.359C>A), located in coding exon 4 of the ALDH7A1 gene, results from a C to A substitution at nucleotide position 359. The alanine at codon 120 is replaced by aspartic acid, an amino acid with dissimilar properties. This amino acid position is highly conserved in available vertebrate species. In addition, this alteration is predicted to be deleterious by in silico analysis. Since supporting evidence is limited at this time, the clinical significance of this alteration remains unclear.